The following is an entry in ClinVar:

ClinVar aggregate classification (germline): Uncertain significance (1 of 4 stars; one submission).

Conditions:
Hereditary nonpolyposis colorectal neoplasms. Identifiers: MedGen C0009405, MeSH D003123.

Submission:

Labcorp Genetics (formerly Invitae), Labcorp
Classification: Uncertain significance for Hereditary nonpolyposis colorectal neoplasms. Last evaluated: 2017-09-18. Review status: criteria provided, single submitter. Criteria: Invitae Variant Classification Sherloc (09022015). Collection method: clinical testing. Allele origin: germline.
Comment: This variant is a gross duplication of the genomic region encompassing exons 1-5 of the PMS2 gene. The 5' end of this event is unknown as it extends beyond the assayed region for this gene and therefore may encompass additional genes. The 3' boundary is likely confined to intron 5 of the PMS2 gene. The exact location of this variant in the genome is unknown. Duplications of exons 1-5 have not been reported in the literature in individuals with PMS2-related disease. Experimental studies and prediction algorithms are not available for this variant, and the functional significance of the duplicated amino acids is currently unknown. In summary, the exact genomic location of this variant is unknown and the impact of this duplication on PMS2 protein function has not been established. Therefore, it has been classified as a Variant of Uncertain Significance.

NC_000007.13:g.(?_6042078)_(6048656_?)dup

Genes: PMS2 (PMS1 homolog 2, mismatch repair system component; minus strand), LOC129997916 (ATAC-STARR-seq lymphoblastoid active region 25614; plus strand). Cytogenetic location: 7p22.1.
Variant type: Duplication.
Identifiers: ClinVar variation 525989 (VCV000525989.2).